The following is an entry in ClinVar:

ClinVar aggregate classification (germline): Uncertain significance. Review status: criteria provided, multiple submitters, no conflicts (2 of 4 stars). 2 submissions from 2 submitters: Uncertain significance (2). Last evaluated 2025-11-17.

Conditions:
Cardiovascular phenotype. Identifiers: MedGen CN230736.
Noonan syndrome 9 (NS9). Identifiers: Orphanet 648, MedGen C4225282, MONDO:0014691, OMIM 616559.

Allele frequency attached by ClinVar (database versions not stated): gnomAD exomes below 0.00001; TOPMed below 0.00001; ExAC 0.00001.
gnomAD v4.1: 1 of 1,614,006 alleles (0.000062%); highest among the groups gnomAD compares: Non-Finnish European, 0.000085%; no homozygotes.

Submissions (2):

Labcorp Genetics (formerly Invitae), Labcorp
Classification: Uncertain significance for Noonan syndrome 9. Last evaluated: 2025-11-17. Review status: criteria provided, single submitter. Criteria: Invitae Variant Classification Sherloc (09022015). Collection method: clinical testing. Allele origin: germline.
Comment: This sequence change replaces isoleucine, which is neutral and non-polar, with methionine, which is neutral and non-polar, at codon 94 of the SOS2 protein (p.Ile94Met). This variant is present in population databases (rs753611130, gnomAD 0.0009%). This variant has not been reported in the literature in individuals affected with SOS2-related conditions. ClinVar contains an entry for this variant (Variation ID: 1796543). Invitae Evidence Modeling of protein sequence and biophysical properties (such as structural, functional, and spatial information, amino acid conservation, physicochemical variation, residue mobility, and thermodynamic stability) indicates that this missense variant is not expected to disrupt SOS2 protein function with a negative predictive value of 95%. In summary, the available evidence is currently insufficient to determine the role of this variant in disease. Therefore, it has been classified as a Variant of Uncertain Significance.

Ambry Genetics
Classification: Uncertain significance for Cardiovascular phenotype. Last evaluated: 2021-06-23. Review status: criteria provided, single submitter. Criteria: Ambry Variant Classification Scheme 2023. Collection method: clinical testing. Allele origin: germline.
Comment: The p.I94M variant (also known as c.282A>G), located in coding exon 3 of the SOS2 gene, results from an A to G substitution at nucleotide position 282. The isoleucine at codon 94 is replaced by methionine, an amino acid with highly similar properties. This amino acid position is conserved. In addition, this alteration is predicted to be deleterious by in silico analysis. Since supporting evidence is limited at this time, the clinical significance of this alteration remains unclear.

NM_006939.4(SOS2):c.282A>G (p.Ile94Met)

Gene: SOS2 (SOS Ras/Rho guanine nucleotide exchange factor 2; minus strand). Cytogenetic location: 14q21.3.
Variant type: single nucleotide variant.
Coding change: c.282A>G on transcript NM_006939.4 (MANE Select); coding-DNA position 282, A replaced by G.
Protein change: p.Ile94Met; replaces isoleucine 94 with methionine.
Molecular consequence: missense variant.
Genome position (GRCh38, 1-based): chr14:50,201,016, T>C on the plus strand (A>G on the coding strand, the complement: SOS2 is on the minus strand). VCF-style: chr14-50201016-T-C. GRCh37 (hg19) VCF-style: chr14-50667734-T-C.
Other names: c.282A>G, p.Ile94Met (NM_001411020.1); short protein forms I94M.
Identifiers: ClinVar variation 1796543 (VCV001796543.3), dbSNP rs753611130, ClinGen allele CA7177568.